The following is an entry in ClinVar:

ClinVar aggregate classification (germline): Uncertain significance. Review status: criteria provided, multiple submitters, no conflicts (2 of 4 stars). 2 submissions from 2 submitters: Uncertain significance (2). Last evaluated 2023-09-28.

Conditions:
Hereditary cancer-predisposing syndrome. Also called: Tumor predisposition; Hereditary neoplastic syndrome; Neoplastic Syndromes, Hereditary; Hereditary Cancer Syndrome. Identifiers: Orphanet 140162, MedGen C0027672, MeSH D009386, MONDO:0015356.
Familial cancer of breast. Also called: BREAST CANCER, FAMILIAL; Hereditary breast cancer; hereditary breast carcinoma. Identifiers: Orphanet 227535, MedGen C0346153, MONDO:0016419, OMIM 114480. Disease mechanism: loss of function.

Submissions (2):

Ambry Genetics
Classification: Uncertain significance for Hereditary cancer-predisposing syndrome. Last evaluated: 2023-09-28. Review status: criteria provided, single submitter. Criteria: Ambry Variant Classification Scheme 2023. Collection method: clinical testing. Allele origin: germline.
Comment: The p.H556Q variant (also known as c.1668C>A), located in coding exon 7 of the BARD1 gene, results from a C to A substitution at nucleotide position 1668. The histidine at codon 556 is replaced by glutamine, an amino acid with highly similar properties. This amino acid position is not well conserved in available vertebrate species. In addition, this alteration is predicted to be tolerated by in silico analysis. Since supporting evidence is limited at this time, the clinical significance of this alteration remains unclear.

Labcorp Genetics (formerly Invitae), Labcorp
Classification: Uncertain significance for Familial cancer of breast. Last evaluated: 2023-07-12. Review status: criteria provided, single submitter. Criteria: Invitae Variant Classification Sherloc (09022015). Collection method: clinical testing. Allele origin: germline.
Comment: This sequence change replaces histidine, which is basic and polar, with glutamine, which is neutral and polar, at codon 556 of the BARD1 protein (p.His556Gln). This variant is not present in population databases (gnomAD no frequency). This variant has not been reported in the literature in individuals affected with BARD1-related conditions. ClinVar contains an entry for this variant (Variation ID: 1489704). Algorithms developed to predict the effect of missense changes on protein structure and function output the following: SIFT: "Not Available"; PolyPhen-2: "Benign"; Align-GVGD: "Not Available". The glutamine amino acid residue is found in multiple mammalian species, which suggests that this missense change does not adversely affect protein function. In summary, the available evidence is currently insufficient to determine the role of this variant in disease. Therefore, it has been classified as a Variant of Uncertain Significance.

NM_000465.4(BARD1):c.1668C>A (p.His556Gln)

Gene: BARD1 (BRCA1 associated RING domain 1; minus strand). Cytogenetic location: 2q35.
Variant type: single nucleotide variant.
Coding change: c.1668C>A on transcript NM_000465.4 (MANE Select); coding-DNA position 1668, C replaced by A.
Protein change: p.His556Gln; replaces histidine 556 with glutamine.
Molecular consequence: missense variant. On other transcripts: non-coding transcript variant (3), intron variant (1).
Genome position (GRCh38, 1-based): chr2:214,752,456, G>T on the plus strand (C>A on the coding strand, the complement: BARD1 is on the minus strand). VCF-style: chr2-214752456-G-T. GRCh37 (hg19) VCF-style: chr2-215617180-G-T.
Other names: c.1611C>A, p.His537Gln (NM_001282543.2); c.315C>A, p.His105Gln (NM_001282545.2); c.258C>A, p.His86Gln (NM_001282548.2); c.365-21948C>A (NM_001282549.2); c.1668C>A (NM_000465.2); short protein forms H105Q, H556Q, H537Q, H86Q.
Identifiers: ClinVar variation 1489704 (VCV001489704.6), dbSNP rs2106038572, ClinGen allele CA350454539.